The following is an entry in ClinVar:

NM_207122.2(EXT2):c.487A>T (p.Asn163Tyr)

Gene: EXT2 (exostosin glycosyltransferase 2; plus strand). Cytogenetic location: 11p11.2.
Variant type: single nucleotide variant.
Coding change: c.487A>T on transcript NM_207122.2 (MANE Select); coding-DNA position 487, A replaced by T.
Protein change: p.Asn163Tyr; replaces asparagine 163 with tyrosine.
Molecular consequence: missense variant.
Genome position (GRCh38, 1-based): chr11:44,108,199, A>T. VCF-style: chr11-44108199-A-T. GRCh37 (hg19) VCF-style: chr11-44129749-A-T.
Other names: c.586A>T, p.Asn196Tyr (NM_000401.3); c.487A>T, p.Asn163Tyr (NM_001178083.3, NM_001389628.1, NM_001389630.1); c.487A>T (NM_207122.1); short protein forms N163Y, N196Y.
Identifiers: ClinVar variation 931287 (VCV000931287.12), dbSNP rs1954089713, ClinGen allele CA380180451.
Genomic context (GRCh38, chr11:44,108,199, plus strand): 5'-TACACTGATGACATCAACCGGGCCTGTCTGTTTGTTCCCTCCATCGATGTGCTTAACCAG[A>T]ACACACTGCGCATCAAGGAGACAGCACAAGCGATGGCCCAGCTCTCTAGGTATCTCACAC-3'
Protein context (NP_997005.1, residues 153-173): FVPSIDVLNQ[Asn163Tyr]TLRIKETAQA

ClinVar aggregate classification (germline): Uncertain significance. Review status: criteria provided, multiple submitters, no conflicts (2 of 4 stars). 4 submissions from 4 submitters: Uncertain significance (4). Last evaluated 2025-08-20.

Conditions:
Inborn genetic diseases. Identifiers: MedGen C0950123, MeSH D030342.
Exostoses, multiple, type 2 (EXT2). Also called: EXOSTOSES, MULTIPLE, TYPE II; Hereditary Multiple Osteochondromatosis, Type II. Identifiers: Orphanet 321, MedGen C1851413, MONDO:0007586, OMIM 133701.

Allele frequency attached by ClinVar (database versions not stated): TOPMed below 0.00001; gnomAD exomes 0.00001.
gnomAD v4.1: 7 of 1,613,760 alleles (0.00043%); highest among the groups gnomAD compares: Non-Finnish European, 0.00059%; no homozygotes.

Submissions (4):

Ambry Genetics
Classification: Uncertain significance for Inborn genetic diseases. Last evaluated: 2025-08-20. Review status: criteria provided, single submitter. Criteria: Ambry Variant Classification Scheme 2023. Collection method: clinical testing. Allele origin: germline.

Baylor Genetics
Classification: Uncertain significance for Exostoses, multiple, type 2. Last evaluated: 2024-02-23. Review status: criteria provided, single submitter. Criteria: ACMG Guidelines, 2015. Collection method: clinical testing. Allele origin: unknown.

Labcorp Genetics (formerly Invitae), Labcorp
Classification: Uncertain significance for Exostoses, multiple, type 2. Last evaluated: 2022-03-07. Review status: criteria provided, single submitter. Criteria: Invitae Variant Classification Sherloc (09022015). Collection method: clinical testing. Allele origin: germline.
Comment: In summary, the available evidence is currently insufficient to determine the role of this variant in disease. Therefore, it has been classified as a Variant of Uncertain Significance. ClinVar contains an entry for this variant (Variation ID: 931287). Algorithms developed to predict the effect of missense changes on protein structure and function are either unavailable or do not agree on the potential impact of this missense change (SIFT: "Deleterious"; PolyPhen-2: "Benign"; Align-GVGD: "Class C15"). This variant has not been reported in the literature in individuals affected with EXT2-related conditions. This sequence change replaces asparagine, which is neutral and polar, with tyrosine, which is neutral and polar, at codon 163 of the EXT2 protein (p.Asn163Tyr). This variant is not present in population databases (gnomAD no frequency).

Centre for Mendelian Genomics, University Medical Centre Ljubljana
Classification: Uncertain significance for Exostoses, multiple, type 2. Last evaluated: 2018-11-07. Review status: criteria provided, single submitter. Criteria: ACMG Guidelines, 2015. Collection method: clinical testing. Allele origin: unknown. Affected: yes.
Comment: This variant was classified as: Uncertain significance. The available evidence on this variant's pathogenicity is insufficient or conflicting. The following ACMG criteria were applied in classifying this variant: PM2,PP3.